The following is an entry in ClinVar:

NM_001077418.3(TMEM231):c.139+47C>A

Gene: TMEM231 (transmembrane protein 231; minus strand). Cytogenetic location: 16q23.1.
Variant type: single nucleotide variant.
Coding change: c.139+47C>A on transcript NM_001077418.3 (MANE Select); 47 bases into the intron after coding-DNA position 139, C replaced by A.
Molecular consequence: intron variant. On other transcripts: nonsense (1).
Genome position (GRCh38, 1-based): chr16:75,556,024, G>T on the plus strand (C>A on the coding strand, the complement: TMEM231 is on the minus strand). VCF-style: chr16-75556024-G-T. GRCh37 (hg19) VCF-style: chr16-75589922-G-T.
Other names: c.248C>A, p.Ser83Ter (NM_001077416.2); short protein forms S83*.
Identifiers: ClinVar variation 565503 (VCV000565503.14), dbSNP rs200063331, ClinGen allele CA8176289.

ClinVar aggregate classification (germline): Pathogenic/Likely pathogenic. Review status: criteria provided, multiple submitters, no conflicts (2 of 4 stars). 6 submissions from 6 submitters: Pathogenic (3); Likely pathogenic (3). Last evaluated 2026-01-19.

Conditions:
TMEM231-related disorder. Also called: TMEM231-related condition.
Inborn genetic diseases. Identifiers: MedGen C0950123, MeSH D030342.
Joubert syndrome and related disorders. Identifiers: Orphanet 140874, MedGen C5679612, MONDO:0015369.
Joubert syndrome 20 (JBTS20). Identifiers: Orphanet 475, MedGen C3554235, MONDO:0013994, OMIM 614970.
Meckel syndrome, type 11 (MKS11). Identifiers: Orphanet 564, MedGen C3809352, MONDO:0014164, OMIM 615397.

Allele frequency attached by ClinVar (database versions not stated): ExAC 0.00019; gnomAD exomes 0.00023; gnomAD 0.00028 and 0.00029; TOPMed 0.00029; ESP Exome Variant Server 0.00034.

Submissions (6):

Labcorp Genetics (formerly Invitae), Labcorp
Classification: Pathogenic for Joubert syndrome 20; Meckel syndrome, type 11. Last evaluated: 2026-01-19. Review status: criteria provided, single submitter. Criteria: Invitae Variant Classification Sherloc (09022015). Collection method: clinical testing. Allele origin: germline.
Comment: This sequence change creates a premature translational stop signal (p.Ser83*) in the TMEM231 gene. It is expected to result in an absent or disrupted protein product. Loss-of-function variants in TMEM231 are known to be pathogenic (PMID: 23012439, 23349226). This variant is present in population databases (rs200063331, gnomAD 0.04%). This variant has not been reported in the literature in individuals affected with TMEM231-related conditions. ClinVar contains an entry for this variant (Variation ID: 565503). For these reasons, this variant has been classified as Pathogenic.

Laboratory of Genetics, Children's Clinical University Hospital Latvia
Classification: Pathogenic. Last evaluated: 2025-02-16. Review status: criteria provided, single submitter. Criteria: ACMG Guidelines, 2015. Collection method: clinical testing. Allele origin: germline. Affected: yes.

Fulgent Genetics
Classification: Likely pathogenic for Joubert syndrome 20; Meckel syndrome, type 11. Last evaluated: 2024-06-04. Review status: criteria provided, single submitter. Criteria: ACMG Guidelines, 2015. Collection method: clinical testing. Allele origin: germline.

Women's Health and Genetics/Laboratory Corporation of America, LabCorp
Classification: Pathogenic for Joubert syndrome and related disorders. Last evaluated: 2024-01-22. Review status: criteria provided, single submitter. Criteria: LabCorp Variant Classification Summary - May 2015. Collection method: clinical testing. Allele origin: germline.
Comment: Variant summary: TMEM231 c.248C>A (p.Ser83X) results in a premature termination codon, predicted to cause absence of the protein due to nonsense mediated decay, which is a commonly known mechanism for disease. The variant allele was found at a frequency of 0.00023 in 177604 control chromosomes. This frequency is not significantly higher than estimated for a pathogenic variant in TMEM231 causing Joubert Syndrome And Related Disorders (0.00023 vs 0.0004), allowing no conclusion about variant significance. To the best of our knowledge, c.248C>A has been not reported in the literature in individuals affected with Joubert Syndrome And Related Disorders, but in an individual with Congenital Stationary Night Blindness, this variant was reported as an additional finding, together with a pathogenic NYX variant that may fully explain the eye phenotype (Zhu_2022). These report(s) do not provide unequivocal conclusions about association of the variant with Joubert Syndrome And Related Disorders. To our knowledge, no experimental evidence demonstrating an impact on protein function has been reported. The following publication have been ascertained in the context of this evaluation (PMID: 35456422). ClinVar contains an entry for this variant (Variation ID: 565503). Based on the evidence outlined above, the variant was classified as pathogenic.

Blueprint Genetics
Classification: Likely pathogenic for TMEM231-related disorders. Last evaluated: 2023-11-15. Review status: criteria provided, single submitter. Criteria: ACMG Guidelines, 2015. Collection method: clinical testing. Allele origin: germline. Affected: yes. Observed: 5 variant alleles.

Ambry Genetics
Classification: Likely pathogenic for Inborn genetic diseases. Last evaluated: 2022-05-14. Review status: criteria provided, single submitter. Criteria: Ambry Variant Classification Scheme 2023. Collection method: clinical testing. Allele origin: germline.
Comment: The c.176C>A (p.S59*) alteration, located in exon 1 (coding exon 1) of the TMEM231 gene, consists of a C to A substitution at nucleotide position 176. This changes the amino acid from a serine (S) to a stop codon at amino acid position 59. This alteration is expected to result in loss of function by premature protein truncation or nonsense-mediated mRNA decay. Based on the available evidence, this alteration is classified as likely pathogenic.

Literature cited by the submitters: PubMed 23012439 (cited by Labcorp Genetics (formerly Invitae), Labcorp); PubMed 23349226 (cited by Labcorp Genetics (formerly Invitae), Labcorp); PubMed 35456422 (cited by Women's Health and Genetics/Laboratory Corporation of America, LabCorp).